The following is an entry in ClinVar:

ClinVar aggregate classification (germline): Likely benign. Review status: criteria provided, multiple submitters, no conflicts (2 of 4 stars). 2 submissions from 2 submitters: Likely benign (2). Last evaluated 2024-02-28.

Conditions:
Combined oxidative phosphorylation defect type 27. Also called: Combined oxidative phosphorylation deficiency 27. Identifiers: Orphanet 477774, MedGen C5567608, MONDO:0014728, OMIM 616672.

Allele frequency attached by ClinVar (database versions not stated): TOPMed 0.00001; gnomAD 0.00003.
gnomAD v4.1: 19 of 1,607,554 alleles (0.0012%); highest among the groups gnomAD compares: East Asian, 0.0045%; no homozygotes.

Submissions (2):

Women's Health and Genetics/Laboratory Corporation of America, LabCorp
Classification: Likely benign. Last evaluated: 2024-02-28. Review status: criteria provided, single submitter. Criteria: LabCorp Variant Classification Summary - May 2015. Collection method: clinical testing. Allele origin: germline.
Comment: Variant summary: CARS2 c.1437C>T results in a synonymous change. Consensus agreement among computation tools predict no significant impact on normal splicing. However, these predictions have yet to be confirmed by functional studies. The variant allele was found at a frequency of 1.7e-05 in 235390 control chromosomes. The available data on variant occurrences in the general population are insufficient to allow any conclusion about variant significance. To our knowledge, no occurrence of c.1437C>T in individuals affected with Combined Oxidative Phosphorylation Defect Type 27 and no experimental evidence demonstrating its impact on protein function have been reported. ClinVar contains an entry for this variant (Variation ID: 649804). Based on the evidence outlined above, the variant was classified as likely benign.

Labcorp Genetics (formerly Invitae), Labcorp
Classification: Likely benign for Combined oxidative phosphorylation defect type 27. Last evaluated: 2023-08-24. Review status: criteria provided, single submitter. Criteria: Invitae Variant Classification Sherloc (09022015). Collection method: clinical testing. Allele origin: germline.

NM_024537.4(CARS2):c.1437C>T (p.Ser479=)

Gene: CARS2 (cysteinyl-tRNA synthetase 2, mitochondrial; minus strand). Cytogenetic location: 13q34.
Variant type: single nucleotide variant.
Coding change: c.1437C>T on transcript NM_024537.4 (MANE Select); coding-DNA position 1437, C replaced by T.
Protein change: p.Ser479=; no amino-acid change (serine 479 retained).
Molecular consequence: synonymous variant. On other transcripts: non-coding transcript variant (2).
Genome position (GRCh38, 1-based): chr13:110,642,501, G>A on the plus strand (C>T on the coding strand, the complement: CARS2 is on the minus strand). VCF-style: chr13-110642501-G-A. GRCh37 (hg19) VCF-style: chr13-111294848-G-A.
Other names: c.651C>T, p.Ser217= (NM_001352252.2).
Identifiers: ClinVar variation 649804 (VCV000649804.12), dbSNP rs756303536, ClinGen allele CA7051655.
Genomic context (GRCh38, chr13:110,642,501, plus strand): 5'-CTGCCGGACCTTCTGCCGGAACCGCACCAGCTCGTCCACCACACCATGCAAGGTAGCCTC[G>A]CTGCCGTCTCCTGAAACGTACTGAAGCCAGCAGGGCGCGGTTACGTCCCCCGGAGACTGT-3'
Protein context (NP_078813.1, residues 469-489): ANQQYVSGDG[Ser479=]EATLHGVVDE